The following is an entry in ClinVar:

NM_003365.3(UQCRC1):c.239G>A (p.Arg80His)

Gene: UQCRC1 (ubiquinol-cytochrome c reductase core protein 1; minus strand). Cytogenetic location: 3p21.31.
Variant type: single nucleotide variant.
Coding change: c.239G>A on transcript NM_003365.3 (MANE Select); coding-DNA position 239, G replaced by A.
Protein change: p.Arg80His; replaces arginine 80 with histidine.
Molecular consequence: missense variant.
Genome position (GRCh38, 1-based): chr3:48,605,828, C>T on the plus strand (G>A on the coding strand, the complement: UQCRC1 is on the minus strand). VCF-style: chr3-48605828-C-T. GRCh37 (hg19) VCF-style: chr3-48643261-C-T.
Other names: p.Arg80His; c.239G>A (NM_003365.2); short protein forms R80H.
Identifiers: ClinVar variation 3366876 (VCV003366876.3).

ClinVar aggregate classification (germline): Uncertain significance. Review status: criteria provided, multiple submitters, no conflicts (2 of 4 stars). 2 submissions from 2 submitters: Uncertain significance (2). Last evaluated 2025-02-18.

Conditions:
Parkinsonism with polyneuropathy. Identifiers: Orphanet 611237, MedGen C5543299, MONDO:0036193, OMIM 619279.

Submissions (2):

Ambry Genetics
Classification: Uncertain significance. Last evaluated: 2025-02-18. Review status: criteria provided, single submitter. Criteria: Ambry Variant Classification Scheme 2023. Collection method: clinical testing. Allele origin: germline.

Foundation for Research in Genetics and Endocrinology, FRIGE's Institute of Human Genetics
Classification: Uncertain significance for Parkinsonism with polyneuropathy. Last evaluated: 2024-10-21. Review status: criteria provided, single submitter. Criteria: ACMG Guidelines, 2015. Collection method: clinical testing. Allele origin: germline. Inheritance: Autosomal dominant inheritance. Affected: yes. Observed: 1 heterozygote.
Comment: A heterozygous missense variant in exon 3 of the UQCRC1 gene that results in the amino acid substitution of Histidine for Arginine at codon 80 (p.Arg80His) was detected. This variant has not been reported in the 1000 genomes databases and has a minor allele frequency of 0.001%, 0.0008%, 0.0004% in the gnomAD (v3.1), gnomAD (v2.1) and topmed databases respectively. The in-silico predictions of the variant are probably damaging by PolyPhen-2 and damaging by SIFT and LRT. The reference codon is conserved across species. In summary, the variant meets our criteria to be classified as variant of uncertain significance.